The following is an entry in ClinVar:

NM_014236.4(GNPAT):c.1483del (p.Leu494_Val495insTer)

Gene: GNPAT (glyceronephosphate O-acyltransferase; plus strand). Cytogenetic location: 1q42.2.
Variant type: Deletion.
Coding change: c.1483del on transcript NM_014236.4 (MANE Select); coding-DNA position 1483, one base deleted (G; older notation c.1483delG).
Protein change: p.Leu494_Val495insTer.
Molecular consequence: nonsense.
Genome position (GRCh38, 1-based): chr1:231,270,961, G deleted. VCF-style (leftmost placement, unchanged base first): chr1-231270960-AG-A. GRCh37 (hg19) VCF-style: chr1-231406706-AG-A.
Other names: c.1300del, p.Leu433_Val434insTer (NM_001316350.2).
Identifiers: ClinVar variation 1453740 (VCV001453740.8), dbSNP rs749069446, ClinGen allele CA1452034.

ClinVar aggregate classification (germline): Pathogenic/Likely pathogenic. Review status: criteria provided, multiple submitters, no conflicts (2 of 4 stars). 3 submissions from 3 submitters: Pathogenic (2); Likely pathogenic (1). Last evaluated 2024-04-17.

Conditions:
Rhizomelic chondrodysplasia punctata type 2 (RCDP2). Also called: Chondrodysplasia punctata, rhizomelic, due to dihydroxyacetonephosphate acyltransferase deficiency; Glyceronephosphate O-acyltransferase deficiency; DIHYDROXYACETONEPHOSPHATE ACYLTRANSFERASE DEFICIENCY; PEROXISOMAL DIHYDROXYACETONEPHOSPHATE ACYLTRANSFERASE DEFICIENCY; glyceronephosphate O-acyltransferase (GNPAT) deficiency; DHAPAT DEFICIENCY. Identifiers: Orphanet 177, Orphanet 309796, MedGen C1857242, MONDO:0100273, OMIM 222765. Disease mechanism: loss of function.

Allele frequency attached by ClinVar (database versions not stated): gnomAD exomes below 0.00001 and 0.00001; ExAC 0.00001.

Submissions (3):

Fulgent Genetics
Classification: Likely pathogenic for Rhizomelic chondrodysplasia punctata type 2. Last evaluated: 2024-04-17. Review status: criteria provided, single submitter. Criteria: ACMG Guidelines, 2015. Collection method: clinical testing. Allele origin: germline.

Baylor Genetics
Classification: Pathogenic for Rhizomelic chondrodysplasia punctata type 2. Last evaluated: 2024-01-01. Review status: criteria provided, single submitter. Criteria: ACMG Guidelines, 2015. Collection method: clinical testing. Allele origin: unknown.

Labcorp Genetics (formerly Invitae), Labcorp
Classification: Pathogenic. Last evaluated: 2021-11-06. Review status: criteria provided, single submitter. Criteria: Invitae Variant Classification Sherloc (09022015). Collection method: clinical testing. Allele origin: germline.
Comment: This sequence change creates a premature translational stop signal (p.Val495*) in the GNPAT gene. It is expected to result in an absent or disrupted protein product. Loss-of-function variants in GNPAT are known to be pathogenic (PMID: 9536089, 21990100). This variant is present in population databases (rs749069446, gnomAD 0.0009%). This premature translational stop signal has been observed in individual(s) with rhizomelic chondrodysplasia punctata (PMID: 21990100). For these reasons, this variant has been classified as Pathogenic.

Literature cited by the submitters: PubMed 9536089 (cited by Labcorp Genetics (formerly Invitae), Labcorp); PubMed 21990100 (cited by Labcorp Genetics (formerly Invitae), Labcorp).